The following is an entry in ClinVar:

NM_018292.5(QRSL1):c.275T>C (p.Met92Thr)

Gene: QRSL1 (glutaminyl-tRNA amidotransferase subunit QRSL1; plus strand). Cytogenetic location: 6q21.
Variant type: single nucleotide variant.
Coding change: c.275T>C on transcript NM_018292.5 (MANE Select); coding-DNA position 275, T replaced by C.
Protein change: p.Met92Thr; replaces methionine 92 with threonine.
Molecular consequence: missense variant.
Genome position (GRCh38, 1-based): chr6:106,640,913, T>C. VCF-style: chr6-106640913-T-C. GRCh37 (hg19) VCF-style: chr6-107088788-T-C.
Other names: short protein forms M92T.
Identifiers: ClinVar variation 4698888 (VCV004698888.1).

ClinVar aggregate classification (germline): Uncertain significance (1 of 4 stars; one submission).

gnomAD v4.1: 61 of 1,611,986 alleles (0.0038%); highest among the groups gnomAD compares: Non-Finnish European, 0.0049%; no homozygotes.

Submission:

Labcorp Genetics (formerly Invitae), Labcorp
Classification: Uncertain significance. Last evaluated: 2025-08-15. Review status: criteria provided, single submitter. Criteria: Invitae Variant Classification Sherloc (09022015). Collection method: clinical testing. Allele origin: germline.
Comment: This sequence change replaces methionine, which is neutral and non-polar, with threonine, which is neutral and polar, at codon 92 of the QRSL1 protein (p.Met92Thr). This variant is present in population databases (rs766810469, gnomAD 0.003%). This variant has not been reported in the literature in individuals affected with QRSL1-related conditions. Invitae Evidence Modeling of protein sequence and biophysical properties (such as structural, functional, and spatial information, amino acid conservation, physicochemical variation, residue mobility, and thermodynamic stability) indicates that this missense variant is not expected to disrupt QRSL1 protein function with a negative predictive value of 80%. In summary, the available evidence is currently insufficient to determine the role of this variant in disease. Therefore, it has been classified as a Variant of Uncertain Significance.